The following is an entry in ClinVar:

ClinVar aggregate classification (germline): Pathogenic/Likely pathogenic. Review status: criteria provided, multiple submitters, no conflicts (2 of 4 stars). 2 submissions from 2 submitters: Pathogenic (1); Likely pathogenic (1). Last evaluated 2025-05-28.

Conditions:
Methylmalonic acidemia with homocystinuria, type cblJ (MAHCJ). Also called: METHYLMALONIC ACIDURIA AND HOMOCYSTINURIA, cblJ TYPE. Identifiers: Orphanet 369955, MedGen C3553915, MONDO:0013925, OMIM 614857.

gnomAD v4.1: 8 of 1,614,034 alleles (0.0005%); highest among the groups gnomAD compares: African/African-American, 0.0027%; no homozygotes.

Submissions (2):

Labcorp Genetics (formerly Invitae), Labcorp
Classification: Pathogenic for Methylmalonic acidemia with homocystinuria, type cblJ. Last evaluated: 2025-05-28. Review status: criteria provided, single submitter. Criteria: Invitae Variant Classification Sherloc (09022015). Collection method: clinical testing. Allele origin: germline.
Comment: This sequence change creates a premature translational stop signal (p.Tyr176*) in the ABCD4 gene. It is expected to result in an absent or disrupted protein product. Loss-of-function variants in ABCD4 are known to be pathogenic (PMID: 22922874). This variant is present in population databases (rs373119845, gnomAD 0.007%). This variant has not been reported in the literature in individuals affected with ABCD4-related conditions. ClinVar contains an entry for this variant (Variation ID: 3576745). For these reasons, this variant has been classified as Pathogenic.

Fulgent Genetics
Classification: Likely pathogenic for Methylmalonic acidemia with homocystinuria, type cblJ. Last evaluated: 2024-06-01. Review status: criteria provided, single submitter. Criteria: ACMG Guidelines, 2015. Collection method: clinical testing. Allele origin: germline.

Literature cited by the submitters: PubMed 22922874 (cited by Labcorp Genetics (formerly Invitae), Labcorp).

NM_005050.4(ABCD4):c.528C>A (p.Tyr176Ter)

Gene: ABCD4 (ATP binding cassette subfamily D member 4; minus strand). Cytogenetic location: 14q24.3.
Variant type: single nucleotide variant.
Coding change: c.528C>A on transcript NM_005050.4 (MANE Select); coding-DNA position 528, C replaced by A.
Protein change: p.Tyr176Ter; replaces tyrosine 176 with a stop codon.
Molecular consequence: nonsense. On other transcripts: missense variant (3), 5 prime UTR variant (9), non-coding transcript variant (10).
Genome position (GRCh38, 1-based): chr14:74,296,347, G>T on the plus strand (C>A on the coding strand, the complement: ABCD4 is on the minus strand). VCF-style: chr14-74296347-G-T. GRCh37 (hg19) VCF-style: chr14-74763050-G-T.
Other names: c.528C>A, p.Tyr176Ter (NM_001353591.2, NM_001353592.2, NM_020325.3); c.267C>A, p.Tyr89Ter (NM_001353593.2, NM_001353594.2); c.119C>A, p.Thr40Asn (NM_001353595.2, NM_001353596.2, NM_001353597.2); c.51C>A, p.Tyr17Ter (NM_001353598.2, NM_001353599.2, NM_001353600.2 and 2 more transcripts); c.-162C>A (NM_001353602.2, NM_001353608.2); c.-167C>A (NM_001353603.2, NM_001353604.2, NM_001353605.2 and 4 more transcripts); short protein forms Y17*, T40N, Y176*, Y89*.
Identifiers: ClinVar variation 3576745 (VCV003576745.2).